The following is an entry in ClinVar:

NM_000271.5(NPC1):c.1849dup (p.Ser617fs)

Gene: NPC1 (NPC intracellular cholesterol transporter 1; minus strand). Cytogenetic location: 18q11.2.
Variant type: Duplication.
Coding change: c.1849dup on transcript NM_000271.5 (MANE Select); coding-DNA position 1849, one base duplicated (A; older notation c.1849dupA).
Protein change: p.Ser617fs; shifts the reading frame from serine 617.
Molecular consequence: frameshift variant.
Genome position (GRCh38, 1-based): chr18:23,545,058, T duplicated on the plus strand (A on the coding strand, the reverse complement: NPC1 is on the minus strand); the first of 3 consecutive T bases (chr18:23,545,058-23,545,060); duplicating any one gives the same sequence. VCF-style (leftmost placement, unchanged base first): chr18-23545057-C-CT. GRCh37 (hg19) VCF-style: chr18-21125021-C-CT.
Other names: c.1849dupA (NM_000271.4); short protein forms S617fs.
Identifiers: ClinVar variation 847972 (VCV000847972.8), dbSNP rs2058769608, ClinGen allele CA916083639.

ClinVar aggregate classification (germline): Pathogenic/Likely pathogenic. Review status: criteria provided, multiple submitters, no conflicts (2 of 4 stars). 2 submissions from 2 submitters: Pathogenic (1); Likely pathogenic (1). Last evaluated 2024-12-26.

Conditions:
Niemann-Pick disease, type C1. Also called: NEUROVISCERAL STORAGE DISEASE WITH VERTICAL SUPRANUCLEAR OPHTHALMOPLEGIA; NIEMANN-PICK DISEASE WITH CHOLESTEROL ESTERIFICATION BLOCK; NIEMANN-PICK DISEASE WITHOUT SPHINGOMYELINASE DEFICIENCY; NIEMANN-PICK DISEASE, CHRONIC NEURONOPATHIC FORM; NIEMANN-PICK DISEASE, VARIANT TYPE C1. Identifiers: Orphanet 646, MedGen C3179455, MONDO:0009757, OMIM 257220.

Submissions (2):

Natera, Inc.
Classification: Likely pathogenic for Niemann-Pick disease type C1. Last evaluated: 2024-12-26. Review status: criteria provided, single submitter. Criteria: Natera Variant Classification Schema (03/2026). Collection method: clinical testing. Allele origin: germline.
Comment: The c.1849dupA variant in NPC1 is a frameshift variant predicted to shift the reading frame beginning at codon 617 and leads to a stop codon 2 codons downstream. This variant is expected to result in nonsense mediated decay, truncation, or a dysfunctional protein product. This variant is rare in the general population with a frequency below the threshold expected for the associated phenotype(s). Given the available evidence, this variant is classified as Likely Pathogenic.

Labcorp Genetics (formerly Invitae), Labcorp
Classification: Pathogenic for Niemann-Pick disease, type C1. Last evaluated: 2022-10-31. Review status: criteria provided, single submitter. Criteria: Invitae Variant Classification Sherloc (09022015). Collection method: clinical testing. Allele origin: germline.
Comment: This sequence change creates a premature translational stop signal (p.Ser617Lysfs*2) in the NPC1 gene. It is expected to result in an absent or disrupted protein product. Loss-of-function variants in NPC1 are known to be pathogenic (PMID: 9211850). This variant is not present in population databases (gnomAD no frequency). This variant has not been reported in the literature in individuals affected with NPC1-related conditions. ClinVar contains an entry for this variant (Variation ID: 847972). For these reasons, this variant has been classified as Pathogenic.

Literature cited by the submitters: PubMed 9211850 (cited by Labcorp Genetics (formerly Invitae), Labcorp).